The following is an entry in ClinVar:

ClinVar aggregate classification (germline): Pathogenic. Review status: criteria provided, multiple submitters, no conflicts (2 of 4 stars). 3 submissions from 3 submitters: Pathogenic (3). Last evaluated 2025-07-15.

Conditions:
Hereditary cancer-predisposing syndrome. Also called: Hereditary Cancer Syndrome; Neoplastic Syndromes, Hereditary; Tumor predisposition; Hereditary neoplastic syndrome. Identifiers: Orphanet 140162, MedGen C0027672, MeSH D009386, MONDO:0015356.
Breast-ovarian cancer, familial, susceptibility to, 4. Identifiers: Orphanet 145, MedGen C3280345, MONDO:0013669, OMIM 614291.

Submissions (3):

Labcorp Genetics (formerly Invitae), Labcorp
Classification: Pathogenic for Breast-ovarian cancer, familial, susceptibility to, 4. Last evaluated: 2025-07-15. Review status: criteria provided, single submitter. Criteria: Invitae Variant Classification Sherloc (09022015). Collection method: clinical testing. Allele origin: germline.
Comment: This sequence change creates a premature translational stop signal (p.Thr77Ilefs*6) in the RAD51D gene. It is expected to result in an absent or disrupted protein product. Loss-of-function variants in RAD51D are known to be pathogenic (PMID: 21822267). This variant is not present in population databases (gnomAD no frequency). This variant has not been reported in the literature in individuals affected with RAD51D-related conditions. ClinVar contains an entry for this variant (Variation ID: 480546). For these reasons, this variant has been classified as Pathogenic.

Myriad Genetics, Inc.
Classification: Pathogenic for Breast-ovarian cancer, familial, susceptibility to, 4. Last evaluated: 2024-01-04. Review status: criteria provided, single submitter. Criteria: Myriad Autosomal Dominant, Autosomal Recessive and X-Linked Classification Criteria (2023). Collection method: clinical testing. Allele origin: unknown.
Comment: This variant is considered pathogenic. This variant creates a frameshift predicted to result in premature protein truncation.

Ambry Genetics
Classification: Pathogenic for Hereditary cancer-predisposing syndrome. Last evaluated: 2023-12-04. Review status: criteria provided, single submitter. Criteria: Ambry Variant Classification Scheme 2023. Collection method: clinical testing. Allele origin: germline.
Comment: The c.210_229dup20 variant, located in coding exon 3 of the RAD51D gene, results from a duplication of TCTCTACGAGGAACTGAAGA at nucleotide position 210, causing a translational frameshift with a predicted alternate stop codon (p.T77Ifs*6). This alteration is expected to result in loss of function by premature protein truncation or nonsense-mediated mRNA decay. As such, this alteration is interpreted as a disease-causing mutation.

Literature cited by the submitters: PubMed 21822267 (cited by Labcorp Genetics (formerly Invitae), Labcorp).

NM_002878.4(RAD51D):c.210_229dup (p.Thr77delinsIleSerThrArgAsnTer)

Genes: RAD51D (RAD51 paralog D; minus strand), RAD51L3-RFFL (RAD51L3-RFFL readthrough; minus strand). Cytogenetic location: 17q12.
Variant type: Duplication.
Coding change: c.210_229dup on transcript NM_002878.4 (MANE Select); coding-DNA positions 210 to 229, 20 bases duplicated (TCTCTACGAGGAACTGAAGA).
Protein change: p.Thr77delinsIleSerThrArgAsnTer.
Molecular consequence: nonsense. On other transcripts: intron variant (2).
Genome position (GRCh38, 1-based): chr17:35,118,535-35,118,554, TCTTCAGTTCCTCGTAGAGA duplicated on the plus strand (TCTCTACGAGGAACTGAAGA on the coding strand, the reverse complement: RAD51D is on the minus strand); duplicating any 20 consecutive bases within chr17:35,118,535-35,118,556 gives the same sequence; the c. name uses the placement nearest the transcript's 3' end. VCF-style (leftmost placement, unchanged base first): chr17-35118534-G-GTCTTCAGTTCCTCGTAGAGA. GRCh37 (hg19) VCF-style: chr17-33445553-G-GTCTTCAGTTCCTCGTAGAGA.
Other names: c.144+557_144+576dup (NM_133629.3, NM_001142571.2); c.210_229dupTCTCTACGAGGAACTGAAGA (NM_002878.3).
Identifiers: ClinVar variation 480546 (VCV000480546.13), dbSNP rs1555570266, ClinGen allele CA658656592.